The following is an entry in ClinVar:

ClinVar aggregate classification (germline): Uncertain significance (1 of 4 stars; one submission).

Conditions:
Familial cold autoinflammatory syndrome 3 (FCAS3). Also called: FAMILIAL ATYPICAL COLD URTICARIA; ANTIBODY DEFICIENCY AND IMMUNE DYSREGULATION, PLCG2-ASSOCIATED. Identifiers: Orphanet 300359, MedGen C3280914, MONDO:0013766, OMIM 614468.

Submission:

Labcorp Genetics (formerly Invitae), Labcorp
Classification: Uncertain significance for Familial cold autoinflammatory syndrome 3. Last evaluated: 2024-05-08. Review status: criteria provided, single submitter. Criteria: Invitae Variant Classification Sherloc (09022015). Collection method: clinical testing. Allele origin: germline.
Comment: This sequence change replaces leucine, which is neutral and non-polar, with proline, which is neutral and non-polar, at codon 597 of the PLCG2 protein (p.Leu597Pro). This variant is not present in population databases (gnomAD no frequency). This variant has not been reported in the literature in individuals affected with PLCG2-related conditions. An algorithm developed to predict the effect of missense changes on protein structure and function (PolyPhen-2) suggests that this variant is likely to be tolerated. In summary, the available evidence is currently insufficient to determine the role of this variant in disease. Therefore, it has been classified as a Variant of Uncertain Significance.

NM_002661.5(PLCG2):c.1790T>C (p.Leu597Pro)

Gene: PLCG2 (phospholipase C gamma 2; plus strand). Cytogenetic location: 16q23.3.
Variant type: single nucleotide variant.
Coding change: c.1790T>C on transcript NM_002661.5 (MANE Select); coding-DNA position 1790, T replaced by C.
Protein change: p.Leu597Pro; replaces leucine 597 with proline.
Molecular consequence: missense variant.
Genome position (GRCh38, 1-based): chr16:81,910,576, T>C. VCF-style: chr16-81910576-T-C. GRCh37 (hg19) VCF-style: chr16-81944181-T-C.
Other names: c.1790T>C, p.Leu597Pro (NM_001425750.1, NM_001425751.1, NM_001425749.1); short protein forms L597P.
Identifiers: ClinVar variation 2756635 (VCV002756635.3), dbSNP rs2507674846, ClinGen allele CA396900882.